The following is an entry in ClinVar:

NM_001114753.3(ENG):c.1469T>C (p.Leu490Ser)

Genes: ENG (endoglin; minus strand), LOC102723566 (uncharacterized LOC102723566; plus strand). Cytogenetic location: 9q34.11.
Variant type: single nucleotide variant.
Coding change: c.1469T>C on transcript NM_001114753.3 (MANE Select); coding-DNA position 1469, T replaced by C.
Protein change: p.Leu490Ser; replaces leucine 490 with serine.
Molecular consequence: missense variant. On other transcripts: non-coding transcript variant (1).
Genome position (GRCh38, 1-based): chr9:127,818,337, A>G on the plus strand (T>C on the coding strand, the complement: ENG is on the minus strand). VCF-style: chr9-127818337-A-G. GRCh37 (hg19) VCF-style: chr9-130580616-A-G.
Other names: c.1469T>C, p.Leu490Ser (NM_000118.4); c.923T>C, p.Leu308Ser (NM_001278138.2); short protein forms L490S, L308S.
Identifiers: ClinVar variation 458338 (VCV000458338.16), dbSNP rs763475207, ClinGen allele CA5252752.

ClinVar aggregate classification (germline): Pathogenic/Likely pathogenic. Review status: criteria provided, multiple submitters, no conflicts (2 of 4 stars). 3 submissions from 3 submitters: Pathogenic (1); Likely pathogenic (2). Last evaluated 2025-11-20.

Conditions:
Cardiovascular phenotype. Identifiers: MedGen CN230736.
Hereditary hemorrhagic telangiectasia (HHT). Also called: ORW DISEASE; Osler Weber Rendu syndrome; OSLER-RENDU-WEBER DISEASE; Osler hemorrhagic telangiectasia syndrome. Identifiers: Orphanet 774, MedGen C0039445, MONDO:0019180. Disease mechanism: loss of function.
Telangiectasia, hereditary hemorrhagic, type 1 (HHT1). Also called: Osler Weber Rendu syndrome type 1; ENG-Related Hereditary Hemorrhagic Telangiectasia. Identifiers: Orphanet 774, MedGen C4551861, MONDO:0008535, OMIM 187300. Disease mechanism: loss of function.

Allele frequency attached by ClinVar (database versions not stated): gnomAD exomes below 0.00001; ExAC 0.00001.
gnomAD v4.1: 1 of 1,614,004 alleles (0.000062%); highest among the groups gnomAD compares: Non-Finnish European, 0.000085%; no homozygotes.

Submissions (3):

Labcorp Genetics (formerly Invitae), Labcorp
Classification: Pathogenic for Hereditary hemorrhagic telangiectasia. Last evaluated: 2025-11-20. Review status: criteria provided, single submitter. Criteria: Invitae Variant Classification Sherloc (09022015). Collection method: clinical testing. Allele origin: germline.
Comment: This sequence change replaces leucine, which is neutral and non-polar, with serine, which is neutral and polar, at codon 490 of the ENG protein (p.Leu490Ser). This variant is present in population databases (rs763475207, gnomAD 0.0009%). This missense change has been observed in individuals with hemorrhagic telangiectasia (PMID: 16752392). It has also been observed to segregate with disease in related individuals. ClinVar contains an entry for this variant (Variation ID: 458338). Invitae Evidence Modeling of protein sequence and biophysical properties (such as structural, functional, and spatial information, amino acid conservation, physicochemical variation, residue mobility, and thermodynamic stability) indicates that this missense variant is expected to disrupt ENG protein function with a positive predictive value of 95%. For these reasons, this variant has been classified as Pathogenic.

ARUP Laboratories, Molecular Genetics and Genomics, ARUP Laboratories
Classification: Likely pathogenic for Telangiectasia, hereditary hemorrhagic, type 1. Last evaluated: 2024-07-22. Review status: criteria provided, single submitter. Criteria: ARUP Molecular Germline Variant Investigation Process 2024. Collection method: clinical testing. Allele origin: germline.
Comment: The ENG c.1469T>C; p.Leu490Ser variant (rs763475207, ClinVar Variation ID: 458338), is reported in the literature and shown to co-segregate with HHT in a family (Bossler 2006). This variant is only found on one allele in the Genome Aggregation Database (v2.1.1), indicating it is not a common polymorphism. Computational analyses predict that this variant is deleterious (REVEL: 0.723). Additionally, this variant is suggested to disrupt the zona pellucida domain and lead to decreased structural stability (Lin 2011). Based on available information, this variant is considered to be likely pathogenic. References: Bossler AD et al. Novel mutations in ENG and ACVRL1 identified in a series of 200 individuals undergoing clinical genetic testing for hereditary hemorrhagic telangiectasia (HHT): correlation of genotype with phenotype. Hum Mutat. 2006 Jul;27(7):667-75. PMID: 16752392. Lin SJ et al. Structure of betaglycan zona pellucida (ZP)-C domain provides insights into ZP-mediated protein polymerization and TGF-beta binding. Proc Natl Acad Sci U S A. 2011 Mar 29;108(13):5232-6. PMID: 21402931.

Ambry Genetics
Classification: Likely pathogenic for Cardiovascular phenotype. Last evaluated: 2016-08-08. Review status: criteria provided, single submitter. Criteria: Ambry Variant Classification Scheme 2023. Collection method: clinical testing. Allele origin: germline.
Comment: The p.L490S variant (also known as c.1469T>C), located in coding exon 12 of the ENG gene, results from a T to C substitution at nucleotide position 1469. The leucine at codon 490 is replaced by serine, an amino acid with dissimilar properties. This variant was identified in multiple individuals of a family with epistaxis, telangiectasias, and/or arteriovenous malformation (Bossler AD et al. Hum. Mutat., 2006 Jul;27:667-75). Based on internal structural analysis, this variant disrupts the Zona pellucida domain and is anticipated to result in a decrease in structural stability (Lin SJ et al. Proc. Natl. Acad. Sci. U.S.A., 2011 Mar;108:5232-6). This variant was not reported in population based cohorts in the following databases: Database of Single Nucleotide Polymorphisms (dbSNP), NHLBI Exome Sequencing Project (ESP), and 1000 Genomes Project. In the ESP, this variant was not observed in 6503 samples (13006 alleles) with coverage at this position. This amino acid position is highly conserved in available vertebrate species. In addition, this alteration is predicted to be deleterious by in silico analysis. Based on the majority of available evidence to date, this variant is likely to be pathogenic.

Literature cited by the submitters: PubMed 16752392 (cited by Labcorp Genetics (formerly Invitae), Labcorp and Ambry Genetics); PubMed 21402931 (cited by Ambry Genetics).